The following is an entry in ClinVar:

NM_001267550.2(TTN):c.20465A>G (p.Asn6822Ser)

Gene: TTN (titin; minus strand). Cytogenetic location: 2q31.2.
Variant type: single nucleotide variant.
Coding change: c.20465A>G on transcript NM_001267550.2 (MANE Select); coding-DNA position 20465, A replaced by G.
Protein change: p.Asn6822Ser; replaces asparagine 6822 with serine.
Molecular consequence: missense variant. On other transcripts: intron variant (3).
Genome position (GRCh38, 1-based): chr2:178,725,857, T>C on the plus strand (A>G on the coding strand, the complement: TTN is on the minus strand). VCF-style: chr2-178725857-T-C. GRCh37 (hg19) VCF-style: chr2-179590584-T-C.
Other names: c.19514A>G, p.Asn6505Ser (NM_001256850.1); c.16733A>G, p.Asn5578Ser (NM_133378.4); c.13282+12225A>G (NM_003319.4); c.13858+12225A>G (NM_133437.4); c.13657+12225A>G (NM_133432.3); short protein forms N6822S, N5578S, N6505S.
Identifiers: ClinVar variation 466879 (VCV000466879.11), dbSNP rs371518764, ClinGen allele CA2001214.

ClinVar aggregate classification (germline): Conflicting classifications of pathogenicity. Review status: criteria provided, conflicting classifications (1 of 4 stars). 4 submissions from 4 submitters: Uncertain significance (3); Likely benign (1). Last evaluated 2025-10-31.

Conditions:
Autosomal recessive limb-girdle muscular dystrophy type 2J (LGMDR10). Also called: Limb-girdle muscular dystrophy, type 2J; MUSCULAR DYSTROPHY, LIMB-GIRDLE, AUTOSOMAL RECESSIVE 10. Identifiers: Orphanet 140922, MedGen C1837342, MONDO:0012127, OMIM 608807.
Dilated cardiomyopathy 1G (CMD1G). Identifiers: Orphanet 154, MedGen C1858763, MONDO:0011400, OMIM 604145.
TTN-related disorder. Also called: TTN-related condition; TTN-related disease; TTN-related disorders.

Allele frequency attached by ClinVar (database versions not stated): TOPMed 0.00003; gnomAD 0.00007 and 0.00008; ESP Exome Variant Server 0.00017.
gnomAD v4.1: 107 of 1,613,238 alleles (0.0066%); highest among the groups gnomAD compares: Non-Finnish European, 0.0081%; no homozygotes.

Submissions (4):

PreventionGenetics, part of Exact Sciences
Classification: Uncertain significance for TTN-related condition. Last evaluated: 2025-10-31. Review status: criteria provided, single submitter. Criteria: ACMG Guidelines, 2015. Collection method: clinical testing. Allele origin: germline.
Comment: The TTN c.20465A>G variant is predicted to result in the amino acid substitution p.Asn6822Ser. This variant has been reported in an individual with restrictive cardiomyopathy (Table S3, Kostareva et al. 2016. PubMed ID: 27662471). This variant is reported in 0.010% of alleles in individuals of East Asian descent in gnomAD. At this time, the clinical significance of this variant is uncertain due to the absence of conclusive functional and genetic evidence.

GeneDx
Classification: Likely benign. Last evaluated: 2021-05-13. Review status: criteria provided, single submitter. Criteria: GeneDx Variant Classification Process June 2021. Collection method: clinical testing. Allele origin: germline. Affected: yes.

Labcorp Genetics (formerly Invitae), Labcorp
Classification: Uncertain significance for Dilated cardiomyopathy 1G; Autosomal recessive limb-girdle muscular dystrophy type 2J. Last evaluated: 2017-09-15. Review status: criteria provided, single submitter. Criteria: Invitae Variant Classification Sherloc (09022015). Collection method: clinical testing. Allele origin: germline.

Eurofins Ntd Llc (ga)
Classification: Uncertain significance. Last evaluated: 2017-06-06. Review status: criteria provided, single submitter. Criteria: EGL Classification Definitions 2015. Collection method: clinical testing. Allele origin: germline. Observed: 2 variant alleles, 2 heterozygotes.